The following is an entry in ClinVar:

NM_006939.4(SOS2):c.26A>G (p.Glu9Gly)

Genes: SOS2 (SOS Ras/Rho guanine nucleotide exchange factor 2; minus strand), LOC130055588 (ATAC-STARR-seq lymphoblastoid silent region 5718; plus strand). Cytogenetic location: 14q21.3.
Variant type: single nucleotide variant.
Coding change: c.26A>G on transcript NM_006939.4 (MANE Select); coding-DNA position 26, A replaced by G.
Protein change: p.Glu9Gly; replaces glutamic acid 9 with glycine.
Molecular consequence: missense variant.
Genome position (GRCh38, 1-based): chr14:50,231,258, T>C on the plus strand (A>G on the coding strand, the complement: SOS2 is on the minus strand). VCF-style: chr14-50231258-T-C. GRCh37 (hg19) VCF-style: chr14-50697976-T-C.
Other names: c.26A>G, p.Glu9Gly (NM_001411020.1); short protein forms E9G.
Identifiers: ClinVar variation 2686011 (VCV002686011.2), dbSNP rs2503347123, ClinGen allele CA389657626.

ClinVar aggregate classification (germline): Likely pathogenic (1 of 4 stars; one submission).

Conditions:
Male infertility due to gonadal dysgenesis or sperm disorder. Identifiers: Orphanet 399764, MedGen C5680033, MONDO:0018389.

Submission:

Laan Lab, Human Genetics Research Group, University of Tartu
Classification: Likely pathogenic for Male infertility due to gonadal dysgenesis or sperm disorder. Last evaluated: 2023-12-01. Review status: criteria provided, single submitter. Criteria: Gelb et al. (Genet Med. 2018). Collection method: research. Allele origin: paternal. Inheritance: Oligogenic inheritance. Affected: yes. Observed: 1 variant allele, 1 heterozygote.

Literature cited by the submitters: DOI 10.3389/fendo.2024.1312357.